The following is an entry in ClinVar:

ClinVar aggregate classification (germline): Uncertain significance (1 of 4 stars; one submission).

gnomAD v4.1: 6 of 1,613,878 alleles (0.00037%); highest among the groups gnomAD compares: African/African-American, 0.0027%; no homozygotes.

Submission:

Labcorp Genetics (formerly Invitae), Labcorp
Classification: Uncertain significance. Last evaluated: 2025-02-23. Review status: criteria provided, single submitter. Criteria: Invitae Variant Classification Sherloc (09022015). Collection method: clinical testing. Allele origin: germline.
Comment: This sequence change replaces alanine, which is neutral and non-polar, with valine, which is neutral and non-polar, at codon 1257 of the CARMIL2 protein (p.Ala1257Val). This variant is present in population databases (rs756653373, gnomAD 0.0009%). This variant has not been reported in the literature in individuals affected with CARMIL2-related conditions. Invitae Evidence Modeling of protein sequence and biophysical properties (such as structural, functional, and spatial information, amino acid conservation, physicochemical variation, residue mobility, and thermodynamic stability) indicates that this missense variant is not expected to disrupt CARMIL2 protein function with a negative predictive value of 80%. In summary, the available evidence is currently insufficient to determine the role of this variant in disease. Therefore, it has been classified as a Variant of Uncertain Significance.

NM_001013838.3(CARMIL2):c.3770C>T (p.Ala1257Val)

Gene: CARMIL2 (capping protein regulator and myosin 1 linker 2; plus strand). Cytogenetic location: 16q22.1.
Variant type: single nucleotide variant.
Coding change: c.3770C>T on transcript NM_001013838.3 (MANE Select); coding-DNA position 3770, C replaced by T.
Protein change: p.Ala1257Val; replaces alanine 1257 with valine.
Molecular consequence: missense variant.
Genome position (GRCh38, 1-based): chr16:67,656,255, C>T. VCF-style: chr16-67656255-C-T. GRCh37 (hg19) VCF-style: chr16-67690158-C-T.
Other names: c.3662C>T, p.Ala1221Val (NM_001317026.3, NM_001438244.1, NM_001438835.1); short protein forms A1221V, A1257V.
Identifiers: ClinVar variation 4804072 (VCV004804072.1).